The following is an entry in ClinVar:

ClinVar aggregate classification (germline): Uncertain significance (1 of 4 stars; one submission).

Conditions:
Alstrom syndrome (ALMS). Identifiers: Orphanet 64, MedGen C0268425, MONDO:0008763, OMIM 203800.

gnomAD v4.1: 12 of 1,613,248 alleles (0.00074%); highest among the groups gnomAD compares: Non-Finnish European, 0.001%; no homozygotes.

Submission:

Labcorp Genetics (formerly Invitae), Labcorp
Classification: Uncertain significance for Alstrom syndrome. Last evaluated: 2025-04-23. Review status: criteria provided, single submitter. Criteria: Invitae Variant Classification Sherloc (09022015). Collection method: clinical testing. Allele origin: germline.
Comment: This sequence change replaces histidine, which is basic and polar, with leucine, which is neutral and non-polar, at codon 3854 of the ALMS1 protein (p.His3854Leu). This variant is present in population databases (rs758895187, gnomAD 0.002%). This variant has not been reported in the literature in individuals affected with ALMS1-related conditions. Experimental studies and prediction algorithms are not available or were not evaluated, and the functional significance of this variant is currently unknown. In summary, the available evidence is currently insufficient to determine the role of this variant in disease. Therefore, it has been classified as a Variant of Uncertain Significance.

NM_001378454.1(ALMS1):c.11558A>T (p.His3853Leu)

Gene: ALMS1 (ALMS1 centrosome and basal body associated protein; plus strand). Cytogenetic location: 2p13.1.
Variant type: single nucleotide variant.
Coding change: c.11558A>T on transcript NM_001378454.1 (MANE Select); coding-DNA position 11558, A replaced by T.
Protein change: p.His3853Leu; replaces histidine 3853 with leucine.
Molecular consequence: missense variant.
Genome position (GRCh38, 1-based): chr2:73,599,411, A>T. VCF-style: chr2-73599411-A-T. GRCh37 (hg19) VCF-style: chr2-73826538-A-T.
Other names: c.11561A>T, p.His3854Leu (NM_015120.4); short protein forms H3854L, H3853L.
Identifiers: ClinVar variation 4717188 (VCV004717188.1).